The following is an entry in ClinVar:

ClinVar aggregate classification (germline): Uncertain significance. Review status: criteria provided, multiple submitters, no conflicts (2 of 4 stars). 2 submissions from 2 submitters: Uncertain significance (2). Last evaluated 2024-11-13.

Submissions (2):

GeneDx
Classification: Uncertain significance. Last evaluated: 2024-11-13. Review status: criteria provided, single submitter. Criteria: GeneDx Variant Classification Process June 2021. Collection method: clinical testing. Allele origin: germline. Affected: yes.
Comment: Not observed at significant frequency in large population cohorts (gnomAD); In silico analysis supports that this missense variant has a deleterious effect on protein structure/function; Has not been previously published as pathogenic or benign to our knowledge

Labcorp Genetics (formerly Invitae), Labcorp
Classification: Uncertain significance. Last evaluated: 2024-09-03. Review status: criteria provided, single submitter. Criteria: Invitae Variant Classification Sherloc (09022015). Collection method: clinical testing. Allele origin: germline.
Comment: This sequence change replaces arginine, which is basic and polar, with leucine, which is neutral and non-polar, at codon 241 of the KCNQ5 protein (p.Arg241Leu). This variant is not present in population databases (gnomAD no frequency). This variant has not been reported in the literature in individuals affected with KCNQ5-related conditions. Invitae Evidence Modeling of protein sequence and biophysical properties (such as structural, functional, and spatial information, amino acid conservation, physicochemical variation, residue mobility, and thermodynamic stability) indicates that this missense variant is expected to disrupt KCNQ5 protein function with a positive predictive value of 80%. In summary, the available evidence is currently insufficient to determine the role of this variant in disease. Therefore, it has been classified as a Variant of Uncertain Significance.

NM_019842.4(KCNQ5):c.722G>T (p.Arg241Leu)

Gene: KCNQ5 (potassium voltage-gated channel subfamily Q member 5; plus strand). Cytogenetic location: 6q13.
Variant type: single nucleotide variant.
Coding change: c.722G>T on transcript NM_019842.4 (MANE Select); coding-DNA position 722, G replaced by T.
Protein change: p.Arg241Leu; replaces arginine 241 with leucine.
Molecular consequence: missense variant.
Genome position (GRCh38, 1-based): chr6:73,077,427, G>T. VCF-style: chr6-73077427-G-T. GRCh37 (hg19) VCF-style: chr6-73787150-G-T.
Other names: c.722G>T, p.Arg241Leu (NM_001160134.2, NM_001160130.2, NM_001160132.2 and 1 more transcripts); c.722G>T (NM_001160133.1); short protein forms R241L.
Identifiers: ClinVar variation 3664332 (VCV003664332.3).